The following is an entry in ClinVar:

NM_000053.4(ATP7B):c.388_389dup (p.Ala131fs)

Gene: ATP7B (ATPase copper transporting beta; minus strand). Cytogenetic location: 13q14.3.
Variant type: Duplication.
Coding change: c.388_389dup on transcript NM_000053.4 (MANE Select); coding-DNA positions 388 to 389, 2 bases duplicated (GC; older notation c.388_389dupGC).
Protein change: p.Ala131fs; shifts the reading frame from alanine 131.
Molecular consequence: frameshift variant.
Genome position (GRCh38, 1-based): chr13:51,974,831-51,974,832, GC duplicated on the plus strand (GC on the coding strand, the reverse complement: ATP7B is on the minus strand). VCF-style (leftmost placement, unchanged base first): chr13-51974830-T-TGC. GRCh37 (hg19) VCF-style: chr13-52548966-T-TGC.
Other names: c.388_389dup, p.Ala131fs (NM_001330578.2, NM_001330579.2, NM_001005918.3 and 1 more transcripts); short protein forms A131fs.
Identifiers: ClinVar variation 371584 (VCV000371584.5), dbSNP rs1057517384, ClinGen allele CA16041681.
Genomic context (GRCh38, chr13:51,974,830, plus strand): 5'-CTCCACCCGGAGCTTGACCACAGCCTCCTGGGCAGGCAAGGACCTTGAGGGCCAGGAGGC[T>TGC]GCCTTTCCTTCTGCAATGCTGGCCTCGAAGCCCATGTCCCCAATTTGATGGCAAACCTGT-3'

ClinVar aggregate classification (germline): Pathogenic. Review status: criteria provided, multiple submitters, no conflicts (2 of 4 stars). 3 submissions from 3 submitters: Pathogenic (2). 1 of the submissions does not count toward it. Last evaluated 2021-08-10.

Conditions:
Wilson disease (WND). Also called: Wilson's disease. Identifiers: Orphanet 905, MedGen C0019202, MONDO:0010200, OMIM 277900. Disease mechanism: loss of function.

Submissions (3):

Genome-Nilou Lab
Classification: Pathogenic for Wilson disease. Last evaluated: 2021-08-10. Review status: criteria provided, single submitter. Criteria: ACMG Guidelines, 2015. Collection method: clinical testing. Allele origin: germline. Affected: no.

GeneDx
Classification: Pathogenic. Last evaluated: 2017-03-27. Review status: criteria provided, single submitter. Criteria: GeneDx Variant Classification (06012015). Collection method: clinical testing. Allele origin: germline. Affected: yes.
Comment: The c.388_389dupGC variant has not been published as a pathogenic variant, nor has it been reported as a benign variant to our knowledge. The c.388_389dupGC variant is not observed in large population cohorts (Lek et al., 2016; 1000 Genomes Consortium et al., 2015; Exome Variant Server). The c.388_389dupGC variant causes a frameshift starting with codon Alanine 131, changes this amino acid to a Glutamine residue and creates a premature Stop codon at position 23 of the new reading frame, denoted p.Ala131GlnfsX23. This variant is predicted to cause loss of normal protein function either through protein truncation or nonsense-mediated mRNA decay. In summary, we interpret c.388_389dupGC as a pathogenic variant.

Counsyl
Classification: Likely pathogenic for Wilson disease. Last evaluated: 2016-10-24. Review status: no assertion criteria provided. Collection method: clinical testing. Allele origin: unknown. Not counted in ClinVar's aggregate classification.